The following is an entry in ClinVar:

ClinVar aggregate classification (germline): Uncertain significance (1 of 4 stars; one submission).

Conditions:
Dyskeratosis congenita. Identifiers: Orphanet 1775, MedGen C0265965, MONDO:0015780.

Submission:

Labcorp Genetics (formerly Invitae), Labcorp
Classification: Uncertain significance for Dyskeratosis congenita. Last evaluated: 2025-12-17. Review status: criteria provided, single submitter. Criteria: Invitae Variant Classification Sherloc (09022015). Collection method: clinical testing. Allele origin: germline.
Comment: This sequence change replaces threonine, which is neutral and polar, with isoleucine, which is neutral and non-polar, at codon 124 of the NHP2 protein (p.Thr124Ile). This variant is not present in population databases (gnomAD no frequency). This variant has not been reported in the literature in individuals affected with NHP2-related conditions. An algorithm developed to predict the effect of missense changes on protein structure and function (PolyPhen-2) suggests that this variant is likely to be disruptive. In summary, the available evidence is currently insufficient to determine the role of this variant in disease. Therefore, it has been classified as a Variant of Uncertain Significance.

NM_017838.4(NHP2):c.371C>T (p.Thr124Ile)

Genes: RMND5B (required for meiotic nuclear division 5 homolog B; plus strand), NHP2 (NHP2 ribonucleoprotein; minus strand). Cytogenetic location: 5q35.3.
Variant type: single nucleotide variant.
Coding change: c.371C>T on transcript NM_017838.4 (MANE Select); coding-DNA position 371, C replaced by T.
Protein change: p.Thr124Ile; replaces threonine 124 with isoleucine.
Molecular consequence: missense variant. On other transcripts: 3 prime UTR variant (3).
Genome position (GRCh38, 1-based): chr5:178,149,804, G>A on the plus strand (C>T on the coding strand, the complement: NHP2 is on the minus strand). VCF-style: chr5-178149804-G-A. GRCh37 (hg19) VCF-style: chr5-177576805-G-A.
Other names: c.265C>T, p.Pro89Ser (NM_001034833.2); c.499C>T, p.Pro167Ser (NM_001396110.1); c.*1772G>A (NM_001288794.2, NM_001288795.2, NM_022762.5); short protein forms P89S, T124I, P167S.
Identifiers: ClinVar variation 4781038 (VCV004781038.1).